The following is an entry in ClinVar:

ClinVar aggregate classification (germline): Uncertain significance (1 of 4 stars; one submission).

Conditions:
Catecholaminergic polymorphic ventricular tachycardia 1. Also called: VENTRICULAR TACHYCARDIA, STRESS-INDUCED POLYMORPHIC 1; VENTRICULAR TACHYCARDIA, CATECHOLAMINERGIC POLYMORPHIC, 1, WITH OR WITHOUT ATRIAL DYSFUNCTION AND/OR DILATED CARDIOMYOPATHY; RYR2-Related Catecholaminergic Polymorphic Ventricular Tachycardia. Identifiers: Orphanet 3286, MedGen C1631597, MONDO:0011484, OMIM 604772.

Submission:

Labcorp Genetics (formerly Invitae), Labcorp
Classification: Uncertain significance for Catecholaminergic polymorphic ventricular tachycardia 1. Last evaluated: 2024-10-10. Review status: criteria provided, single submitter. Criteria: Invitae Variant Classification Sherloc (09022015). Collection method: clinical testing. Allele origin: germline.
Comment: This sequence change replaces alanine, which is neutral and non-polar, with aspartic acid, which is acidic and polar, at codon 1855 of the RYR2 protein (p.Ala1855Asp). This variant is not present in population databases (gnomAD no frequency). This missense change has been observed in individual(s) with clinical features of polymorphic ventricular tachycardia (polymorphic ventricular tachycardia). Invitae Evidence Modeling of protein sequence and biophysical properties (such as structural, functional, and spatial information, amino acid conservation, physicochemical variation, residue mobility, and thermodynamic stability) indicates that this missense variant is not expected to disrupt RYR2 protein function with a negative predictive value of 95%. Experimental studies have shown that this missense change affects RYR2 function (PMID: 37122207). In summary, the available evidence is currently insufficient to determine the role of this variant in disease. Therefore, it has been classified as a Variant of Uncertain Significance.

Literature cited by the submitters: PubMed 37122207.

NM_001035.3(RYR2):c.5564C>A (p.Ala1855Asp)

Gene: RYR2 (ryanodine receptor 2; plus strand). Cytogenetic location: 1q43.
Variant type: single nucleotide variant.
Coding change: c.5564C>A on transcript NM_001035.3 (MANE Select); coding-DNA position 5564, C replaced by A.
Protein change: p.Ala1855Asp; replaces alanine 1855 with aspartic acid.
Molecular consequence: missense variant.
Genome position (GRCh38, 1-based): chr1:237,614,692, C>A. VCF-style: chr1-237614692-C-A. GRCh37 (hg19) VCF-style: chr1-237777992-C-A.
Other names: short protein forms A1855D.
Identifiers: ClinVar variation 3715673 (VCV003715673.2).
Genomic context (GRCh38, chr1:237,614,692, plus strand): 5'-ACAACGAGGACTTGAAGCACATCTTGCAGTTGATTGAGCCCAGTGTGTTTAAAGAAGCTG[C>A]CACTCCGGAGGAGGAGAGTGACACGCTGGAGAAAGAGCTCAGTGTGGACGATGCAAAGCT-3'
Protein context (NP_001026.2, residues 1845-1865): LIEPSVFKEA[Ala1855Asp]TPEEESDTLE